The following is an entry in ClinVar:

NM_001734.5(C1S):c.55A>G (p.Met19Val)

Gene: C1S (complement C1s; plus strand). Cytogenetic location: 12p13.31.
Variant type: single nucleotide variant.
Coding change: c.55A>G on transcript NM_001734.5 (MANE Select); coding-DNA position 55, A replaced by G.
Protein change: p.Met19Val; replaces methionine 19 with valine.
Molecular consequence: missense variant. On other transcripts: intron variant (1).
Genome position (GRCh38, 1-based): chr12:7,062,524, A>G. VCF-style: chr12-7062524-A-G. GRCh37 (hg19) VCF-style: chr12-7169828-A-G.
Other names: c.55A>G, p.Met19Val (NM_201442.4); c.-288-366A>G (NM_001346850.2); short protein forms M19V.
Identifiers: ClinVar variation 2181699 (VCV002181699.4), dbSNP rs1300623779, ClinGen allele CA383687606.
Genomic context (GRCh38, chr12:7,062,524, plus strand): 5'-TGTTTTTTCAGGTGCATTGTCCTGTTTTCACTTTTGGCATGGGTTTATGCTGAGCCTACC[A>G]TGTATGGGGAGATCCTGTCCCCTAACTATCCTCAGGCATATCCCAGTGAGGTAGAGAAAT-3'
Protein context (NP_001725.1, residues 9-29): LLAWVYAEPT[Met19Val]YGEILSPNYP

ClinVar aggregate classification (germline): Uncertain significance (1 of 4 stars; one submission).

Allele frequency attached by ClinVar (database versions not stated): gnomAD exomes 0.00001; TOPMed 0.00001.

Submission:

Labcorp Genetics (formerly Invitae), Labcorp
Classification: Uncertain significance. Last evaluated: 2024-02-07. Review status: criteria provided, single submitter. Criteria: Invitae Variant Classification Sherloc (09022015). Collection method: clinical testing. Allele origin: germline.
Comment: This sequence change replaces methionine, which is neutral and non-polar, with valine, which is neutral and non-polar, at codon 19 of the C1S protein (p.Met19Val). This variant is present in population databases (no rsID available, gnomAD 0.002%). This variant has not been reported in the literature in individuals affected with C1S-related conditions. ClinVar contains an entry for this variant (Variation ID: 2181699). An algorithm developed to predict the effect of missense changes on protein structure and function (PolyPhen-2) suggests that this variant is likely to be disruptive. In summary, the available evidence is currently insufficient to determine the role of this variant in disease. Therefore, it has been classified as a Variant of Uncertain Significance.